The following is an entry in ClinVar:

ClinVar aggregate classification (germline): Pathogenic (1 of 4 stars; one submission).

Conditions:
Hereditary spastic paraplegia 15 (SPG15). Also called: SPASTIC PARAPLEGIA 15, AUTOSOMAL RECESSIVE; KJELLIN SYNDROME; SPASTIC PARAPLEGIA AND RETINAL DEGENERATION. Identifiers: Orphanet 100996, MedGen C1849128, MONDO:0010044, OMIM 270700.

Submission:

Myriad Genetics, Inc.
Classification: Pathogenic for Hereditary spastic paraplegia 15. Last evaluated: 2024-01-30. Review status: criteria provided, single submitter. Criteria: Myriad Autosomal Dominant, Autosomal Recessive and X-Linked Classification Criteria (2023). Collection method: clinical testing. Allele origin: unknown.
Comment: NM_015346.3(ZFYVE26):c.1641delT(A548Lfs*66) is expected to be pathogenic in the context of spastic paraplegia type 15. This variant is predicted to lead to an abnormal or absent protein product due to the creation of a premature termination codon in ZFYVE26, a gene where loss-of-function variants are known to be pathogenic. Please note: this variant was assessed in the context of healthy population screening.

NM_015346.4(ZFYVE26):c.1641del (p.Ala548fs)

Gene: ZFYVE26 (zinc finger FYVE-type containing 26; minus strand). Cytogenetic location: 14q24.1.
Variant type: Deletion.
Coding change: c.1641del on transcript NM_015346.4 (MANE Select); coding-DNA position 1641, one base deleted (T; older notation c.1641delT).
Protein change: p.Ala548fs; shifts the reading frame from alanine 548.
Molecular consequence: frameshift variant.
Genome position (GRCh38, 1-based): chr14:67,798,621, A deleted on the plus strand (T on the coding strand, the reverse complement: ZFYVE26 is on the minus strand). VCF-style (leftmost placement, unchanged base first): chr14-67798620-CA-C. GRCh37 (hg19) VCF-style: chr14-68265337-CA-C.
Other names: short protein forms A548fs.
Identifiers: ClinVar variation 5012698 (VCV005012698.1).